The following is an entry in ClinVar:

ClinVar aggregate classification (germline): Uncertain significance (1 of 4 stars; one submission).

Conditions:
Osteogenesis imperfecta type I (OI1). Also called: OI, TYPE I; OSTEOGENESIS IMPERFECTA TARDA; OSTEOGENESIS IMPERFECTA WITH BLUE SCLERAE; Lobstein's Disease; Classic Non-deforming Osteogenesis Imperfecta with Blue Sclerae; Lobstein disease. Identifiers: Orphanet 216796, Orphanet 666, MedGen C0023931, MONDO:0008146, OMIM 166200. Disease mechanism: loss of function.
Ehlers-Danlos syndrome, classic type, 1 (EDSCL1). Also called: Ehlers-Danlos Syndrome, Classic Type, COL5A1-Related; EDS I; Ehlers-Danlos syndrome, type 1; EHLERS-DANLOS SYNDROME, GRAVIS TYPE; EHLERS-DANLOS SYNDROME, SEVERE CLASSIC TYPE. Identifiers: MedGen C0268335, MONDO:0019567, OMIM 130000.

Allele frequency attached by ClinVar (database versions not stated): ExAC 0.00001.
gnomAD v4.1: 4 of 1,614,124 alleles (0.00025%); highest among the groups gnomAD compares: Admixed American, 0.0033%; no homozygotes.

Submission:

Labcorp Genetics (formerly Invitae), Labcorp
Classification: Uncertain significance for Osteogenesis imperfecta type I; Ehlers-Danlos syndrome, classic type, 1. Last evaluated: 2024-02-15. Review status: criteria provided, single submitter. Criteria: Invitae Variant Classification Sherloc (09022015). Collection method: clinical testing. Allele origin: germline.
Comment: This sequence change replaces arginine, which is basic and polar, with cysteine, which is neutral and slightly polar, at codon 777 of the COL1A2 protein (p.Arg777Cys). This variant is present in population databases (rs779108678, gnomAD 0.003%). This variant has not been reported in the literature in individuals affected with COL1A2-related conditions. ClinVar contains an entry for this variant (Variation ID: 581514). Advanced modeling of protein sequence and biophysical properties (such as structural, functional, and spatial information, amino acid conservation, physicochemical variation, residue mobility, and thermodynamic stability) performed at Invitae indicates that this missense variant is expected to disrupt COL1A2 protein function with a positive predictive value of 95%. In summary, the available evidence is currently insufficient to determine the role of this variant in disease. Therefore, it has been classified as a Variant of Uncertain Significance.

NM_000089.4(COL1A2):c.2329C>T (p.Arg777Cys)

Gene: COL1A2 (collagen type I alpha 2 chain; plus strand). Cytogenetic location: 7q21.3.
Variant type: single nucleotide variant.
Coding change: c.2329C>T on transcript NM_000089.4 (MANE Select); coding-DNA position 2329, C replaced by T.
Protein change: p.Arg777Cys; replaces arginine 777 with cysteine.
Molecular consequence: missense variant.
Genome position (GRCh38, 1-based): chr7:94,421,042, C>T. VCF-style: chr7-94421042-C-T. GRCh37 (hg19) VCF-style: chr7-94050354-C-T.
Other names: short protein forms R777C.
Identifiers: ClinVar variation 581514 (VCV000581514.8), dbSNP rs779108678, ClinGen allele CA4347390.